The following is an entry in ClinVar:

NM_004260.4(RECQL4):c.2744T>C (p.Met915Thr)

Gene: RECQL4 (RecQ like helicase 4; minus strand). Cytogenetic location: 8q24.3.
Variant type: single nucleotide variant.
Coding change: c.2744T>C on transcript NM_004260.4 (MANE Select); coding-DNA position 2744, T replaced by C.
Protein change: p.Met915Thr; replaces methionine 915 with threonine.
Molecular consequence: missense variant.
Genome position (GRCh38, 1-based): chr8:144,512,858, A>G on the plus strand (T>C on the coding strand, the complement: RECQL4 is on the minus strand). VCF-style: chr8-144512858-A-G. GRCh37 (hg19) VCF-style: chr8-145738241-A-G.
Other names: short protein forms M915T.
Identifiers: ClinVar variation 1424776 (VCV001424776.6), dbSNP rs1165798216, ClinGen allele CA372674789.

ClinVar aggregate classification (germline): Uncertain significance (1 of 4 stars; one submission).

Conditions:
Baller-Gerold syndrome (BGS). Also called: CRANIOSYNOSTOSIS WITH RADIAL DEFECTS. Identifiers: Orphanet 1225, MedGen C0265308, MONDO:0009039, OMIM 218600.

Allele frequency attached by ClinVar (database versions not stated): gnomAD exomes below 0.00001; TOPMed below 0.00001.
gnomAD v4.1: 1 of 1,603,874 alleles (0.000062%); highest among the groups gnomAD compares: East Asian, 0.0022%; no homozygotes.

Submission:

Labcorp Genetics (formerly Invitae), Labcorp
Classification: Uncertain significance for Baller-Gerold syndrome. Last evaluated: 2025-10-06. Review status: criteria provided, single submitter. Criteria: Invitae Variant Classification Sherloc (09022015). Collection method: clinical testing. Allele origin: germline.
Comment: This sequence change replaces methionine, which is neutral and non-polar, with threonine, which is neutral and polar, at codon 915 of the RECQL4 protein (p.Met915Thr). This variant is not present in population databases (gnomAD no frequency). This variant has not been reported in the literature in individuals affected with RECQL4-related conditions. ClinVar contains an entry for this variant (Variation ID: 1424776). Invitae Evidence Modeling of protein sequence and biophysical properties (such as structural, functional, and spatial information, amino acid conservation, physicochemical variation, residue mobility, and thermodynamic stability) indicates that this missense variant is not expected to disrupt RECQL4 protein function with a negative predictive value of 80%. In summary, the available evidence is currently insufficient to determine the role of this variant in disease. Therefore, it has been classified as a Variant of Uncertain Significance.